The following is an entry in ClinVar:

NM_198586.3(NHLRC1):c.-36G>C

Gene: NHLRC1 (NHL repeat containing E3 ubiquitin protein ligase 1; minus strand). Cytogenetic location: 6p22.3.
Variant type: single nucleotide variant.
Coding change: c.-36G>C on transcript NM_198586.3 (MANE Select); 36 bases upstream of the start codon, G replaced by C.
Molecular consequence: 5 prime UTR variant.
Genome position (GRCh38, 1-based): chr6:18,122,642, C>G on the plus strand (G>C on the coding strand, the complement: NHLRC1 is on the minus strand). VCF-style: chr6-18122642-C-G. GRCh37 (hg19) VCF-style: chr6-18122873-C-G.
Identifiers: ClinVar variation 206176 (VCV000206176.1), dbSNP rs763144619, ClinGen allele CA316009.
Genomic context (GRCh38, chr6:18,122,642, plus strand): 5'-CGCTCTCCGAGGCTTCGGCCGCCATGGCGCGTCCTGTGCACTCCCGCCGCGCCGCCTGGC[C>G]GTGCCCCAGCGACGCTCTCGGTCACGGTCACAGTCATGGTCACGGGGTGGGACGTGCGCC-3'

ClinVar aggregate classification (germline): Benign (1 of 4 stars; one submission).

Allele frequency attached by ClinVar (database versions not stated): gnomAD exomes 0.00013; ExAC 0.00015; 1000 Genomes Project 30x 0.00016; TOPMed 0.00016; gnomAD 0.00027 and 0.00028.

Submission:

GeneDx
Classification: Benign. Last evaluated: 2014-10-15. Review status: criteria provided, single submitter. Criteria: GeneDx Variant Classification (06012015). Collection method: clinical testing. Allele origin: germline. Affected: yes.
Comment: This variant is considered likely benign or benign based on one or more of the following criteria: it is a conservative change, it occurs at a poorly conserved position in the protein, it is predicted to be benign by multiple in silico algorithms, and/or has population frequency not consistent with disease.